The following is an entry in ClinVar:

ClinVar aggregate classification (germline): Uncertain significance. Review status: criteria provided, multiple submitters, no conflicts (2 of 4 stars). 3 submissions from 3 submitters: Uncertain significance (3). Last evaluated 2024-04-04.

Conditions:
Hereditary cancer-predisposing syndrome. Also called: Hereditary neoplastic syndrome; Tumor predisposition; Neoplastic Syndromes, Hereditary; Hereditary Cancer Syndrome. Identifiers: Orphanet 140162, MedGen C0027672, MeSH D009386, MONDO:0015356.
Multiple endocrine neoplasia type 4. Also called: MULTIPLE ENDOCRINE NEOPLASIA, TYPE IV. Identifiers: Orphanet 276152, MedGen C1970712, MONDO:0012552, OMIM 610755.

Submissions (3):

Labcorp Genetics (formerly Invitae), Labcorp
Classification: Uncertain significance for Multiple endocrine neoplasia type 4. Last evaluated: 2024-04-04. Review status: criteria provided, single submitter. Criteria: Invitae Variant Classification Sherloc (09022015). Collection method: clinical testing. Allele origin: germline.
Comment: This sequence change replaces arginine, which is basic and polar, with serine, which is neutral and polar, at codon 194 of the CDKN1B protein (p.Arg194Ser). This variant is not present in population databases (gnomAD no frequency). This variant has not been reported in the literature in individuals affected with CDKN1B-related conditions. ClinVar contains an entry for this variant (Variation ID: 2450782). An algorithm developed to predict the effect of missense changes on protein structure and function (PolyPhen-2) suggests that this variant is likely to be disruptive. In summary, the available evidence is currently insufficient to determine the role of this variant in disease. Therefore, it has been classified as a Variant of Uncertain Significance.

Baylor Genetics
Classification: Uncertain significance for Multiple endocrine neoplasia type 4. Last evaluated: 2023-09-05. Review status: criteria provided, single submitter. Criteria: ACMG Guidelines, 2015. Collection method: clinical testing. Allele origin: unknown.

Ambry Genetics
Classification: Uncertain significance for Hereditary cancer-predisposing syndrome. Last evaluated: 2022-12-17. Review status: criteria provided, single submitter. Criteria: Ambry Variant Classification Scheme 2023. Collection method: clinical testing. Allele origin: germline.
Comment: The p.R194S variant (also known as c.582A>T), located in coding exon 2 of the CDKN1B gene, results from an A to T substitution at nucleotide position 582. The arginine at codon 194 is replaced by serine, an amino acid with dissimilar properties. This amino acid position is conserved. In addition, this alteration is predicted to be tolerated by in silico analysis. Since supporting evidence is limited at this time, the clinical significance of this alteration remains unclear.

NM_004064.5(CDKN1B):c.582A>T (p.Arg194Ser)

Gene: CDKN1B (cyclin dependent kinase inhibitor 1B; plus strand). Cytogenetic location: 12p13.1.
Variant type: single nucleotide variant.
Coding change: c.582A>T on transcript NM_004064.5 (MANE Select); coding-DNA position 582, A replaced by T.
Protein change: p.Arg194Ser; replaces arginine 194 with serine.
Molecular consequence: missense variant.
Genome position (GRCh38, 1-based): chr12:12,718,931, A>T. VCF-style: chr12-12718931-A-T. GRCh37 (hg19) VCF-style: chr12-12871865-A-T.
Other names: short protein forms R194S.
Identifiers: ClinVar variation 2450782 (VCV002450782.5), dbSNP rs2497407744, ClinGen allele CA383973184.